The following is an entry in ClinVar:

NM_004614.5(TK2):c.124+223C>G

Gene: TK2 (thymidine kinase 2; minus strand). Cytogenetic location: 16q21.
Variant type: single nucleotide variant.
Coding change: c.124+223C>G on transcript NM_004614.5 (MANE Select); 223 bases into the intron after coding-DNA position 124, C replaced by G.
Molecular consequence: intron variant. On other transcripts: 5 prime UTR variant (1), non-coding transcript variant (1).
Genome position (GRCh38, 1-based): chr16:66,549,715, G>C on the plus strand (C>G on the coding strand, the complement: TK2 is on the minus strand). VCF-style: chr16-66549715-G-C. GRCh37 (hg19) VCF-style: chr16-66583618-G-C.
Other names: c.-306C>G (NM_001272050.2); c.31+538C>G (NM_001271935.1, NM_001172643.1); c.124+223C>G (NM_001172644.2, NM_001172645.2); c.-119+223C>G (NM_001271934.2).
Identifiers: ClinVar variation 676431 (VCV000676431.2), dbSNP rs13331952, ClinGen allele CA14223588.

ClinVar aggregate classification (germline): Benign. Review status: criteria provided, multiple submitters, no conflicts (2 of 4 stars). 2 submissions from 2 submitters: Benign (2). Last evaluated 2018-06-14.

Allele frequency attached by ClinVar (database versions not stated): gnomAD exomes 0.12703; gnomAD 0.25029 and 0.25264; TOPMed 0.27582; 1000 Genomes Project 0.32208; 1000 Genomes Project 30x 0.32527.
gnomAD v4.1: 181,175 of 1,266,934 alleles (14%); highest among the groups gnomAD compares: African/African-American, 53%; 19,460 homozygotes.

Submissions (2):

GeneDx
Classification: Benign. Last evaluated: 2018-06-14. Review status: criteria provided, single submitter. Criteria: GeneDx Variant Classification (06012015). Collection method: clinical testing. Allele origin: germline. Affected: yes.
Comment: This variant is considered likely benign or benign based on one or more of the following criteria: it is a conservative change, it occurs at a poorly conserved position in the protein, it is predicted to be benign by multiple in silico algorithms, and/or has population frequency not consistent with disease.

Breakthrough Genomics
Classification: Benign. Review status: criteria provided, single submitter. Criteria: ACMG Guidelines, 2015. Collection method: not provided. Allele origin: germline. Inheritance: Autosomal recessive inheritance. Affected: yes.